The following is an entry in ClinVar:

ClinVar aggregate classification (germline): Likely benign (1 of 4 stars; one submission).

Conditions:
SPARC-related disorder. Also called: SPARC-related condition.

gnomAD v4.1: 704 of 1,500,614 alleles (0.047%); highest among the groups gnomAD compares: African/African-American, 0.86%; no homozygotes.

Submissions (2):

PreventionGenetics, part of Exact Sciences
Classification: Likely benign for SPARC-related condition. Last evaluated: 2024-12-17. Review status: criteria provided, single submitter. Criteria: ACMG Guidelines, 2015. Collection method: clinical testing. Allele origin: germline.
Comment: This variant is classified as likely benign based on ACMG/AMP sequence variant interpretation guidelines (Richards et al. 2015 PMID: 25741868, with internal and published modifications).

Dr. Peter K. Rogan Lab, Western University
No classification provided (evidence only). Condition: Ovarian serous cystadenocarcinoma. Review status: no classification provided. Collection method: in vitro. Allele origin: not applicable. Functional consequence: retained intron. Not counted in ClinVar's aggregate classification.

NM_003118.4(SPARC):c.*60A>G

Genes: SPARC (secreted protein acidic and cysteine rich; minus strand), LOC126807556 (MED14-independent group 3 enhancer GRCh37_chr5:151042798-151043997; plus strand). Cytogenetic location: 5q33.1.
Variant type: single nucleotide variant.
Coding change: c.*60A>G on transcript NM_003118.4 (MANE Select); 60 bases downstream of the stop codon, A replaced by G.
Molecular consequence: 3 prime UTR variant. On other transcripts: missense variant (1).
Genome position (GRCh38, 1-based): chr5:151,663,511, T>C on the plus strand (A>G on the coding strand, the complement: SPARC is on the minus strand). VCF-style: chr5-151663511-T-C. GRCh37 (hg19) VCF-style: chr5-151043072-T-C.
Other names: NC_000005.9:g.151043072T>C; c.*60A>G (NM_001309443.2); c.970A>G, p.Met324Val (NM_001309444.2); c.970A>G (NM_001309444.1); short protein forms M324V.
Identifiers: ClinVar variation 4313053 (VCV004313053.2).